The following is an entry in ClinVar:

ClinVar aggregate classification (germline): Likely benign. Review status: criteria provided, multiple submitters, no conflicts (2 of 4 stars). 2 submissions from 2 submitters: Likely benign (2). Last evaluated 2026-09-01.

Allele frequency attached by ClinVar (database versions not stated): gnomAD 0.00005; ExAC 0.00006; gnomAD exomes 0.00006; TOPMed 0.00007; ESP Exome Variant Server 0.00015; 1000 Genomes Project 0.00020; 1000 Genomes Project 30x 0.00031.
gnomAD v4.1: 99 of 1,614,110 alleles (0.0061%); highest among the groups gnomAD compares: Non-Finnish European, 0.0076%; no homozygotes.

Submissions (2):

CeGaT Center for Human Genetics Tuebingen
Classification: Likely benign. Last evaluated: 2026-09-01. Review status: criteria provided, single submitter. Criteria: CeGaT Center For Human Genetics Tuebingen Variant Classification Criteria Version 2. Collection method: clinical testing. Allele origin: germline. Affected: yes. Observed: 1 variant allele.
Comment: PLEKHG2: BP4, BP7

Labcorp Genetics (formerly Invitae), Labcorp
Classification: Likely benign. Last evaluated: 2025-09-02. Review status: criteria provided, single submitter. Criteria: Invitae Variant Classification Sherloc (09022015). Collection method: clinical testing. Allele origin: germline.

NM_022835.3(PLEKHG2):c.423C>T (p.Ser141=)

Gene: PLEKHG2 (pleckstrin homology and RhoGEF domain containing G2; plus strand). Cytogenetic location: 19q13.2.
Variant type: single nucleotide variant.
Coding change: c.423C>T on transcript NM_022835.3 (MANE Select); coding-DNA position 423, C replaced by T.
Protein change: p.Ser141=; no amino-acid change (serine 141 retained).
Molecular consequence: synonymous variant.
Genome position (GRCh38, 1-based): chr19:39,415,383, C>T. VCF-style: chr19-39415383-C-T. GRCh37 (hg19) VCF-style: chr19-39906023-C-T.
Other names: c.246C>T, p.Ser82= (NM_001351693.2); c.423C>T, p.Ser141= (NM_001351694.2).
Identifiers: ClinVar variation 2192205 (VCV002192205.5), dbSNP rs188027862, ClinGen allele CA9429060.